The following is an entry in ClinVar:

ClinVar aggregate classification (germline): Benign (1 of 4 stars; one submission).

Allele frequency attached by ClinVar (database versions not stated): gnomAD 0.45053 and 0.45980; TOPMed 0.45202; 1000 Genomes Project 30x 0.51952; 1000 Genomes Project 0.52696.
gnomAD v4.1: 69,819 of 151,796 alleles (46%); highest among the groups gnomAD compares: South Asian, 68%; 16,571 homozygotes.

Submission:

GeneDx
Classification: Benign. Last evaluated: 2018-06-14. Review status: criteria provided, single submitter. Criteria: GeneDx Variant Classification (06012015). Collection method: clinical testing. Allele origin: germline. Affected: yes.
Comment: This variant is considered likely benign or benign based on one or more of the following criteria: it is a conservative change, it occurs at a poorly conserved position in the protein, it is predicted to be benign by multiple in silico algorithms, and/or has population frequency not consistent with disease.

NM_001105206.3(LAMA4):c.4134-243A>G

Gene: LAMA4 (laminin subunit alpha 4; minus strand). Cytogenetic location: 6q21.
Variant type: single nucleotide variant.
Coding change: c.4134-243A>G on transcript NM_001105206.3 (MANE Select); 243 bases into the intron before coding-DNA position 4134, A replaced by G.
Molecular consequence: intron variant.
Genome position (GRCh38, 1-based): chr6:112,129,318, T>C on the plus strand (A>G on the coding strand, the complement: LAMA4 is on the minus strand). VCF-style: chr6-112129318-T-C. GRCh37 (hg19) VCF-style: chr6-112450520-T-C.
Other names: c.4113-243A>G (NM_002290.5, NM_001105207.3).
Identifiers: ClinVar variation 671119 (VCV000671119.1), dbSNP rs9387059, ClinGen allele CA144886213.
Genomic context (GRCh38, chr6:112,129,318, plus strand): 5'-ACATTCAACCTGTTAATAACTATGTGCCTGGCATCACATATTTATAATAATGAATATCTT[T>C]TCCCTCAACACACTCTGGATGATTGGAACTGCCTCTGTTTCTTAATCTATATTAAATTCC-3'